The following is an entry in ClinVar:

ClinVar aggregate classification (germline): Uncertain significance (1 of 4 stars; one submission).

Submission:

GeneDx
Classification: Uncertain significance. Last evaluated: 2026-04-03. Review status: criteria provided, single submitter. Criteria: GeneDx Variant Classification Process June 2021. Collection method: clinical testing. Allele origin: germline.
Comment: Not observed at significant frequency in large population cohorts (gnomAD); In silico analysis supports that this missense variant has a deleterious effect on protein structure/function; Has not been previously published as pathogenic or benign to our knowledge

NM_001012614.2(CTBP1):c.239C>G (p.Ala80Gly)

Gene: CTBP1 (C-terminal binding protein 1; minus strand). Cytogenetic location: 4p16.3.
Variant type: single nucleotide variant.
Coding change: c.239C>G on transcript NM_001012614.2 (MANE Select); coding-DNA position 239, C replaced by G.
Protein change: p.Ala80Gly; replaces alanine 80 with glycine.
Molecular consequence: missense variant.
Genome position (GRCh38, 1-based): chr4:1,228,267, G>C on the plus strand (C>G on the coding strand, the complement: CTBP1 is on the minus strand). VCF-style: chr4-1228267-G-C. GRCh37 (hg19) VCF-style: chr4-1222055-G-C.
Other names: c.272C>G, p.Ala91Gly (NM_001328.3, NM_001377186.1); c.239C>G, p.Ala80Gly (NM_001377187.1, NM_001377188.1, NM_001377189.1 and 4 more transcripts); short protein forms A80G, A91G.
Identifiers: ClinVar variation 5018171 (VCV005018171.1).
Genomic context (GRCh38, chr4:1,228,267, plus strand): 5'-CCGGCCGACTTGATGTCGATGTTGTCAAAACCACTGCCAATCCGGACGATGATGCGGAGG[G>C]CTTTGAACTTCTCCAGGTCCTCCCTGGTGAGAGTGATGGTGTGGTACATCAGGGCCCCCA-3'
Protein context (NP_001012632.1, residues 70-90): LTREDLEKFK[Ala80Gly]LRIIVRIGSG